The following is an entry in ClinVar:

NM_020436.5(SALL4):c.2370G>A (p.Pro790=)

Gene: SALL4 (spalt like transcription factor 4; minus strand). Cytogenetic location: 20q13.2.
Variant type: single nucleotide variant.
Coding change: c.2370G>A on transcript NM_020436.5 (MANE Select); coding-DNA position 2370, G replaced by A.
Protein change: p.Pro790=; no amino-acid change (proline 790 retained).
Molecular consequence: synonymous variant. On other transcripts: intron variant (1).
Genome position (GRCh38, 1-based): chr20:51,790,113, C>T on the plus strand (G>A on the coding strand, the complement: SALL4 is on the minus strand). VCF-style: chr20-51790113-C-T. GRCh37 (hg19) VCF-style: chr20-50406652-C-T.
Other names: c.1151-972G>A (NM_001318031.2).
Identifiers: ClinVar variation 1494490 (VCV001494490.16), dbSNP rs570760124, ClinGen allele CA9912113.

ClinVar aggregate classification (germline): Likely benign. Review status: criteria provided, multiple submitters, no conflicts (2 of 4 stars). 2 submissions from 2 submitters: Likely benign (2). Last evaluated 2025-08-01.

Conditions:
Duane-radial ray syndrome (DRRS). Also called: Duane-Radial Ray Syndrome (DRRS) / Okihiro Syndrome; DR SYNDROME; DUANE ANOMALY WITH RADIAL RAY ABNORMALITIES AND DEAFNESS; Okihiro Syndrome; ACRORENOOCULAR SYNDROME; Duane-Radial Ray Syndrome/Okihiro Syndrome. Identifiers: Orphanet 93293, Orphanet 959, MedGen C1623209, MONDO:0011812, OMIM 607323. Disease mechanism: gain of function.

Allele frequency attached by ClinVar (database versions not stated): 1000 Genomes Project 30x 0.00031; 1000 Genomes Project 0.00040.
gnomAD v4.1: 27 of 1,614,112 alleles (0.0017%); highest among the groups gnomAD compares: Middle Eastern, 0.016%; no homozygotes.

Submissions (2):

CeGaT Center for Human Genetics Tuebingen
Classification: Likely benign. Last evaluated: 2025-08-01. Review status: criteria provided, single submitter. Criteria: CeGaT Center For Human Genetics Tuebingen Variant Classification Criteria Version 2. Collection method: clinical testing. Allele origin: germline. Affected: yes. Observed: 1 variant allele.
Comment: SALL4: BP4, BP7

Labcorp Genetics (formerly Invitae), Labcorp
Classification: Likely benign for Duane-radial ray syndrome. Last evaluated: 2025-06-12. Review status: criteria provided, single submitter. Criteria: Invitae Variant Classification Sherloc (09022015). Collection method: clinical testing. Allele origin: germline.